The following is an entry in ClinVar:

ClinVar aggregate classification (germline): Uncertain significance (1 of 4 stars; one submission).

Allele frequency attached by ClinVar (database versions not stated): gnomAD 0.00001; ExAC 0.00003.

Submission:

Labcorp Genetics (formerly Invitae), Labcorp
Classification: Uncertain significance. Last evaluated: 2023-04-20. Review status: criteria provided, single submitter. Criteria: Invitae Variant Classification Sherloc (09022015). Collection method: clinical testing. Allele origin: germline.
Comment: This variant has not been reported in the literature in individuals affected with MOCS3-related conditions. This variant is present in population databases (rs778625328, gnomAD 0.03%). This sequence change replaces leucine, which is neutral and non-polar, with phenylalanine, which is neutral and non-polar, at codon 245 of the MOCS3 protein (p.Leu245Phe). Algorithms developed to predict the effect of missense changes on protein structure and function output the following: SIFT: "Not Available"; PolyPhen-2: "Possibly Damaging"; Align-GVGD: "Not Available". The phenylalanine amino acid residue is found in multiple mammalian species, which suggests that this missense change does not adversely affect protein function. In summary, the available evidence is currently insufficient to determine the role of this variant in disease. Therefore, it has been classified as a Variant of Uncertain Significance.

NM_014484.5(MOCS3):c.733C>T (p.Leu245Phe)

Gene: MOCS3 (molybdenum cofactor synthesis 3; plus strand). Cytogenetic location: 20q13.13.
Variant type: single nucleotide variant.
Coding change: c.733C>T on transcript NM_014484.5 (MANE Select); coding-DNA position 733, C replaced by T.
Protein change: p.Leu245Phe; replaces leucine 245 with phenylalanine.
Molecular consequence: missense variant.
Genome position (GRCh38, 1-based): chr20:50,959,575, C>T. VCF-style: chr20-50959575-C-T. GRCh37 (hg19) VCF-style: chr20-49576112-C-T.
Other names: short protein forms L245F.
Identifiers: ClinVar variation 2997159 (VCV002997159.3), dbSNP rs778625328, ClinGen allele CA9909467.